The following is an entry in ClinVar:

ClinVar aggregate classification (germline): Uncertain significance (1 of 4 stars; one submission).

Submission:

Greenwood Genetic Center Diagnostic Laboratories, Greenwood Genetic Center
Classification: Uncertain significance. Last evaluated: 2026-06-03. Review status: criteria provided, single submitter. Criteria: ACMG Guidelines, 2015. Collection method: clinical testing. Allele origin: germline.
Comment: PM2, PP3

NM_001007.5(RPS4X):c.523T>C (p.Phe175Leu)

Gene: RPS4X (ribosomal protein S4 X-linked; minus strand). Cytogenetic location: Xq13.1.
Variant type: single nucleotide variant.
Coding change: c.523T>C on transcript NM_001007.5 (MANE Select); coding-DNA position 523, T replaced by C.
Protein change: p.Phe175Leu; replaces phenylalanine 175 with leucine.
Molecular consequence: missense variant.
Genome position (GRCh38, 1-based): chrX:72,273,810, A>G on the plus strand (T>C on the coding strand, the complement: RPS4X is on the minus strand). VCF-style: chrX-72273810-A-G. GRCh37 (hg19) VCF-style: chrX-71493660-A-G.
Other names: short protein forms F175L.
Identifiers: ClinVar variation 4891129 (VCV004891129.1).